The following is an entry in ClinVar:

ClinVar aggregate classification (germline): Uncertain significance (1 of 4 stars; one submission).

Submission:

GeneDx
Classification: Uncertain significance. Last evaluated: 2016-04-11. Review status: criteria provided, single submitter. Criteria: GeneDx Variant Classification (06012015). Collection method: clinical testing. Allele origin: germline. Affected: yes.
Comment: The N338S variant in the ABCA4 gene has not been published as a pathogenic variant, nor has it been reported as a benign variant to our knowledge. N338S was not observed in approximately 6,500 individuals of European and African American ancestry in the NHLBI Exome Sequencing Project, indicating it is not a common benign variant in these populations. The variant is a conservative amino acid substitution, which is not likely to impact secondary protein structure as these residues share similar properties. This substitution occurs at a position that is conserved across species; however, in silico analysis is inconsistent in its predictions as to whether or not the variant is damaging to the protein structure/function. Therefore, based on the currently available information, it is unclear whether this variant is a pathogenic variant or a rare benign variant.

NM_000350.3(ABCA4):c.1013A>G (p.Asn338Ser)

Gene: ABCA4 (ATP binding cassette subfamily A member 4; minus strand). Cytogenetic location: 1p22.1.
Variant type: single nucleotide variant.
Coding change: c.1013A>G on transcript NM_000350.3 (MANE Select); coding-DNA position 1013, A replaced by G.
Protein change: p.Asn338Ser; replaces asparagine 338 with serine.
Molecular consequence: missense variant.
Genome position (GRCh38, 1-based): chr1:94,080,564, T>C on the plus strand (A>G on the coding strand, the complement: ABCA4 is on the minus strand). VCF-style: chr1-94080564-T-C. GRCh37 (hg19) VCF-style: chr1-94546120-T-C.
Other names: c.1013A>G, p.Asn338Ser (NM_001425324.1); short protein forms N338S.
Identifiers: ClinVar variation 385471 (VCV000385471.2), dbSNP rs1057522235, ClinGen allele CA16603798.